The following is an entry in ClinVar:

ClinVar aggregate classification (germline): Likely benign. Review status: criteria provided, multiple submitters, no conflicts (2 of 4 stars). 3 submissions from 3 submitters: Likely benign (3). Last evaluated 2024-11-01.

Conditions:
KBG syndrome (KBGS). Also called: ANKRD11-Related KBG Syndrome. Identifiers: Orphanet 2332, MedGen C0220687, MONDO:0007846, OMIM 148050.

Allele frequency attached by ClinVar (database versions not stated): gnomAD 0.00001; TOPMed 0.00001; ExAC 0.00002; gnomAD exomes 0.00002; 1000 Genomes Project 30x 0.00016; 1000 Genomes Project 0.00020.
gnomAD v4.1: 27 of 1,609,990 alleles (0.0017%); highest among the groups gnomAD compares: East Asian, 0.011%; no homozygotes.

Submissions (3):

Blueprint Genetics
Classification: Likely benign. Last evaluated: 2024-11-01. Review status: criteria provided, single submitter. Criteria: ACMG Guidelines, 2015. Collection method: clinical testing. Allele origin: germline.

Labcorp Genetics (formerly Invitae), Labcorp
Classification: Likely benign for KBG syndrome. Last evaluated: 2024-10-23. Review status: criteria provided, single submitter. Criteria: Invitae Variant Classification Sherloc (09022015). Collection method: clinical testing. Allele origin: germline.

CeGaT Center for Human Genetics Tuebingen
Classification: Likely benign. Last evaluated: 2023-01-01. Review status: criteria provided, single submitter. Criteria: CeGaT Center For Human Genetics Tuebingen Variant Classification Criteria Version 2. Collection method: clinical testing. Allele origin: germline. Affected: yes. Observed: 2 variant alleles.
Comment: ANKRD11: BP4, BP7

NM_013275.6(ANKRD11):c.6027C>T (p.Ser2009=)

Gene: ANKRD11 (ankyrin repeat domain 11; minus strand). Cytogenetic location: 16q24.3.
Variant type: single nucleotide variant.
Coding change: c.6027C>T on transcript NM_013275.6 (MANE Select); coding-DNA position 6027, C replaced by T.
Protein change: p.Ser2009=; no amino-acid change (serine 2009 retained).
Molecular consequence: synonymous variant.
Genome position (GRCh38, 1-based): chr16:89,280,515, G>A on the plus strand (C>T on the coding strand, the complement: ANKRD11 is on the minus strand). VCF-style: chr16-89280515-G-A. GRCh37 (hg19) VCF-style: chr16-89346923-G-A.
Other names: c.6027C>T, p.Ser2009= (NM_001256182.2, NM_001256183.2).
Identifiers: ClinVar variation 932686 (VCV000932686.44), dbSNP rs549967314, ClinGen allele CA8241632.